The following is an entry in ClinVar:

ClinVar aggregate classification (germline): Conflicting classifications of pathogenicity. Review status: criteria provided, conflicting classifications (1 of 4 stars). 3 submissions from 3 submitters: Uncertain significance (2); Likely benign (1). Last evaluated 2025-06-11.

Conditions:
Developmental and epileptic encephalopathy, 62. Also called: Early infantile epileptic encephalopathy 62. Identifiers: MedGen C4693699, MONDO:0033371, OMIM 617938.
Epilepsy, familial focal, with variable foci 4 (FFEVF4). Identifiers: MedGen C4693694, MONDO:0054776, OMIM 617935.

Allele frequency attached by ClinVar (database versions not stated): gnomAD 0.00004 and 0.00005; TOPMed 0.00007; gnomAD exomes 0.00009 and 0.00010; ExAC 0.00010; ESP Exome Variant Server 0.00015; 1000 Genomes Project 0.00020; 1000 Genomes Project 30x 0.00031.
gnomAD v4.1: 144 of 1,613,682 alleles (0.0089%); highest among the groups gnomAD compares: South Asian, 0.025%; no homozygotes.

Submissions (3):

Labcorp Genetics (formerly Invitae), Labcorp
Classification: Uncertain significance. Last evaluated: 2025-06-11. Review status: criteria provided, single submitter. Criteria: Invitae Variant Classification Sherloc (09022015). Collection method: clinical testing. Allele origin: germline.
Comment: This sequence change replaces arginine, which is basic and polar, with histidine, which is basic and polar, at codon 187 of the SCN3A protein (p.Arg187His). This variant is present in population databases (rs183764694, gnomAD 0.03%). This variant has not been reported in the literature in individuals affected with SCN3A-related conditions. ClinVar contains an entry for this variant (Variation ID: 859687). Invitae Evidence Modeling of protein sequence and biophysical properties (such as structural, functional, and spatial information, amino acid conservation, physicochemical variation, residue mobility, and thermodynamic stability) has been performed for this missense variant. However, the output from this modeling did not meet the statistical confidence thresholds required to predict the impact of this variant on SCN3A protein function. In summary, the available evidence is currently insufficient to determine the role of this variant in disease. Therefore, it has been classified as a Variant of Uncertain Significance.

GeneDx
Classification: Uncertain significance. Last evaluated: 2025-04-01. Review status: criteria provided, single submitter. Criteria: GeneDx Variant Classification Process June 2021. Collection method: clinical testing. Allele origin: germline. Affected: yes.
Comment: In silico analysis supports that this missense variant has a deleterious effect on protein structure/function; Has not been previously published as pathogenic or benign to our knowledge

New York Genome Center
Classification: Likely benign for Epilepsy, familial focal, with variable foci 4; Developmental and epileptic encephalopathy, 62. Last evaluated: 2020-02-23. Review status: criteria provided, single submitter. Criteria: NYGC Assertion Criteria 2020. Collection method: clinical testing. Allele origin: germline. Observed: 1 heterozygote. Study: CSER-NYCKidSeq.

NM_006922.4(SCN3A):c.560G>A (p.Arg187His)

Gene: SCN3A (sodium voltage-gated channel alpha subunit 3; minus strand). Cytogenetic location: 2q24.3.
Variant type: single nucleotide variant.
Coding change: c.560G>A on transcript NM_006922.4 (MANE Select); coding-DNA position 560, G replaced by A.
Protein change: p.Arg187His; replaces arginine 187 with histidine.
Molecular consequence: missense variant.
Genome position (GRCh38, 1-based): chr2:165,164,434, C>T on the plus strand (G>A on the coding strand, the complement: SCN3A is on the minus strand). VCF-style: chr2-165164434-C-T. GRCh37 (hg19) VCF-style: chr2-166020944-C-T.
Other names: c.560G>A, p.Arg187His (NM_001081676.2, NM_001081677.2); short protein forms R187H.
Identifiers: ClinVar variation 859687 (VCV000859687.11), dbSNP rs183764694, ClinGen allele CA1939416.